The following is an entry in ClinVar:

ClinVar aggregate classification (germline): Uncertain significance (1 of 4 stars; one submission).

Allele frequency attached by ClinVar (database versions not stated): ExAC 0.00001.

Submission:

Women's Health and Genetics/Laboratory Corporation of America, LabCorp
Classification: Uncertain significance. Last evaluated: 2022-10-03. Review status: criteria provided, single submitter. Criteria: LabCorp Variant Classification Summary - May 2015. Collection method: clinical testing. Allele origin: germline.
Comment: Variant summary: CHD1 c.179G>A (p.Ser60Asn) results in a conservative amino acid change in the encoded protein sequence. Three of five in-silico tools predict a damaging effect of the variant on protein function. The variant allele was found at a frequency of 4e-06 in 251446 control chromosomes (gnomAD). The available data on variant occurrences in the general population are insufficient to allow any conclusion about variant significance. To our knowledge, no occurrence of c.179G>A in individuals affected with Pilarowski-Bjornsson Syndrome or other CHD1-related disorders and no experimental evidence demonstrating its impact on protein function have been reported. No clinical diagnostic laboratories have submitted clinical-significance assessments for this variant to ClinVar after 2014. Based on the evidence outlined above, the variant was classified as uncertain significance.

NM_001270.4(CHD1):c.179G>A (p.Ser60Asn)

Genes: CHD1 (chromodomain helicase DNA binding protein 1; minus strand), LOC126807465 (P300/CBP strongly-dependent group 1 enhancer GRCh37_chr5:98240158-98241357; plus strand). Cytogenetic location: 5q21.1.
Variant type: single nucleotide variant.
Coding change: c.179G>A on transcript NM_001270.4 (MANE Select); coding-DNA position 179, G replaced by A.
Protein change: p.Ser60Asn; replaces serine 60 with asparagine.
Molecular consequence: missense variant. On other transcripts: non-coding transcript variant (2).
Genome position (GRCh38, 1-based): chr5:98,904,973, C>T on the plus strand (G>A on the coding strand, the complement: CHD1 is on the minus strand). VCF-style: chr5-98904973-C-T. GRCh37 (hg19) VCF-style: chr5-98240677-C-T.
Other names: c.179G>A, p.Ser60Asn (NM_001364113.3, NM_001376194.2); short protein forms S60N.
Identifiers: ClinVar variation 1723367 (VCV001723367.1), dbSNP rs758916968, ClinGen allele CA3356675.